The following is an entry in ClinVar:

ClinVar aggregate classification (germline): Uncertain significance. Review status: criteria provided, multiple submitters, no conflicts (2 of 4 stars). 4 submissions from 4 submitters: Uncertain significance (3). 1 of the submissions does not count toward it. Last evaluated 2026-08-24.

Conditions:
Cardiovascular phenotype. Identifiers: MedGen CN230736.
Cholestanol storage disease (CTX). Also called: CTX: Cerebrotendinous xanthomatosis; Cerebrotendinous Xanthomatosis; CEREBRAL CHOLESTERINOSIS. Identifiers: Orphanet 909, MedGen C0238052, MONDO:0008948, OMIM 213700.

Allele frequency attached by ClinVar (database versions not stated): gnomAD exomes below 0.00001.
gnomAD v4.1: 2 of 1,614,226 alleles (0.00012%); highest among the groups gnomAD compares: Non-Finnish European, 0.00017%; no homozygotes.

Submissions (4):

Ambry Genetics
Classification: Uncertain significance for Cardiovascular phenotype. Last evaluated: 2026-08-24. Review status: criteria provided, single submitter. Criteria: Ambry Variant Classification Scheme 2023. Collection method: clinical testing. Allele origin: germline.
Comment: The p.P234L variant (also known as c.701C>T), located in coding exon 4 of the CYP27A1 gene, results from a C to T substitution at nucleotide position 701. The proline at codon 234 is replaced by leucine, an amino acid with similar properties. This amino acid position is conserved. In addition, this alteration is predicted to be tolerated by in silico analysis. Based on the available evidence, the clinical significance of this variant remains unclear.

Mayo Clinic Laboratories, Mayo Clinic
Classification: Uncertain significance. Last evaluated: 2022-09-01. Review status: criteria provided, single submitter. Criteria: ACMG Guidelines, 2015. Collection method: clinical testing. Allele origin: germline. Observed: 1 variant allele.
Comment: PM2

Labcorp Genetics (formerly Invitae), Labcorp
Classification: Uncertain significance for Cholestanol storage disease. Last evaluated: 2022-06-27. Review status: criteria provided, single submitter. Criteria: Invitae Variant Classification Sherloc (09022015). Collection method: clinical testing. Allele origin: germline.
Comment: ClinVar contains an entry for this variant (Variation ID: 834683). In summary, the available evidence is currently insufficient to determine the role of this variant in disease. Therefore, it has been classified as a Variant of Uncertain Significance. Advanced modeling of protein sequence and biophysical properties (such as structural, functional, and spatial information, amino acid conservation, physicochemical variation, residue mobility, and thermodynamic stability) performed at Invitae indicates that this missense variant is not expected to disrupt CYP27A1 protein function. This variant has not been reported in the literature in individuals affected with CYP27A1-related conditions. This variant is not present in population databases (gnomAD no frequency). This sequence change replaces proline, which is neutral and non-polar, with leucine, which is neutral and non-polar, at codon 234 of the CYP27A1 protein (p.Pro234Leu).

Natera, Inc.
Classification: Uncertain significance for Cerebrotendinous xanthomatosis. Last evaluated: 2020-10-05. Review status: no assertion criteria provided. Collection method: clinical testing. Allele origin: germline. Not counted in ClinVar's aggregate classification.

NM_000784.4(CYP27A1):c.701C>T (p.Pro234Leu)

Gene: CYP27A1 (cytochrome P450 family 27 subfamily A member 1; plus strand). Cytogenetic location: 2q35.
Variant type: single nucleotide variant.
Coding change: c.701C>T on transcript NM_000784.4 (MANE Select); coding-DNA position 701, C replaced by T.
Protein change: p.Pro234Leu; replaces proline 234 with leucine.
Molecular consequence: missense variant.
Genome position (GRCh38, 1-based): chr2:218,812,606, C>T. VCF-style: chr2-218812606-C-T. GRCh37 (hg19) VCF-style: chr2-219677329-C-T.
Other names: p.Pro234Leu; short protein forms P234L.
Identifiers: ClinVar variation 834683 (VCV000834683.12), dbSNP rs1943733556, ClinGen allele CA350586321.